The following is an entry in ClinVar:

NM_001258392.3(CLPB):c.367G>C (p.Val123Leu)

Gene: CLPB (ClpB family mitochondrial disaggregase; minus strand). Cytogenetic location: 11q13.4.
Variant type: single nucleotide variant.
Coding change: c.367G>C on transcript NM_001258392.3 (MANE Select); coding-DNA position 367, G replaced by C.
Protein change: p.Val123Leu; replaces valine 123 with leucine.
Molecular consequence: missense variant.
Genome position (GRCh38, 1-based): chr11:72,434,108, C>G on the plus strand (G>C on the coding strand, the complement: CLPB is on the minus strand). VCF-style: chr11-72434108-C-G. GRCh37 (hg19) VCF-style: chr11-72145152-C-G.
Other names: c.367G>C, p.Val123Leu (NM_001258393.3, NM_030813.6); c.125G>C, p.Gly42Ala (NM_001258394.3); short protein forms V123L, G42A.
Identifiers: ClinVar variation 1512251 (VCV001512251.8), dbSNP rs141495575, ClinGen allele CA6171616.
Genomic context (GRCh38, chr11:72,434,108, plus strand): 5'-CTCAAACCCAGATCTCATAATCACCCTTGTTGGACGGACTCTTGCTGTAGCAATGAACCA[C>G]CAGCGCTGCGGCCAGGGCGCACATGCCCAGTCCGGCCCTGCTGGGGACCCCGTTCCAGCT-3'
Protein context (NP_001245321.1, residues 113-133): LGMCALAAAL[Val123Leu]VHCYSKSPSN

ClinVar aggregate classification (germline): Uncertain significance (1 of 4 stars; one submission).

Conditions:
3-methylglutaconic aciduria, type VIIB (MGCA7B). Also called: 3-methylglutaconic aciduria with cataracts, neurologic involvement and neutropenia; 3-methylglutaconic aciduria, type VII, with cataracts, neurologic involvement and neutropenia; CLPB Deficiency. Identifiers: Orphanet 445038, MedGen C5676893, MONDO:0014561, OMIM 616271.

Allele frequency attached by ClinVar (database versions not stated): gnomAD exomes below 0.00001; ExAC 0.00001; gnomAD 0.00001; TOPMed 0.00002; ESP Exome Variant Server 0.00008.
gnomAD v4.1: 6 of 1,611,798 alleles (0.00037%); highest among the groups gnomAD compares: Non-Finnish European, 0.00051%; no homozygotes.

Submission:

Labcorp Genetics (formerly Invitae), Labcorp
Classification: Uncertain significance for 3-methylglutaconic aciduria, type VIIB. Last evaluated: 2025-08-04. Review status: criteria provided, single submitter. Criteria: Invitae Variant Classification Sherloc (09022015). Collection method: clinical testing. Allele origin: germline.
Comment: This sequence change replaces valine, which is neutral and non-polar, with leucine, which is neutral and non-polar, at codon 123 of the CLPB protein (p.Val123Leu). This variant is present in population databases (rs141495575, gnomAD 0.002%). This variant has not been reported in the literature in individuals affected with CLPB-related conditions. ClinVar contains an entry for this variant (Variation ID: 1512251). An algorithm developed to predict the effect of missense changes on protein structure and function (PolyPhen-2) suggests that this variant is likely to be tolerated. In summary, the available evidence is currently insufficient to determine the role of this variant in disease. Therefore, it has been classified as a Variant of Uncertain Significance.